The following is an entry in ClinVar:

NM_001252024.2(TRPM1):c.3416T>G (p.Ile1139Ser)

Genes: TRPM1 (transient receptor potential cation channel subfamily M member 1; minus strand), TRPM1-AS1 (TRPM1 antisense RNA 1; plus strand), LOC126862088 (BRD4-independent group 4 enhancer GRCh37_chr15:31318084-31319283; plus strand). Cytogenetic location: 15q13.3.
Variant type: single nucleotide variant.
Coding change: c.3416T>G on transcript NM_001252024.2 (MANE Select); coding-DNA position 3416, T replaced by G.
Protein change: p.Ile1139Ser; replaces isoleucine 1139 with serine.
Molecular consequence: missense variant.
Genome position (GRCh38, 1-based): chr15:31,026,995, A>C on the plus strand (T>G on the coding strand, the complement: TRPM1 is on the minus strand). VCF-style: chr15-31026995-A-C. GRCh37 (hg19) VCF-style: chr15-31319198-A-C.
Other names: c.3467T>G, p.Ile1156Ser (NM_001252020.2); c.3350T>G, p.Ile1117Ser (NM_002420.6); short protein forms I1117S, I1139S, I1156S.
Identifiers: ClinVar variation 840349 (VCV000840349.10), dbSNP rs2032797968, ClinGen allele CA391541722.

ClinVar aggregate classification (germline): Uncertain significance (1 of 4 stars; one submission).

Allele frequency attached by ClinVar (database versions not stated): TOPMed below 0.00001; gnomAD 0.00001.
gnomAD v4.1: 1 of 1,614,020 alleles (0.000062%); highest among the groups gnomAD compares: Admixed American, 0.0017%; no homozygotes.

Submission:

Labcorp Genetics (formerly Invitae), Labcorp
Classification: Uncertain significance. Last evaluated: 2019-11-26. Review status: criteria provided, single submitter. Criteria: Invitae Variant Classification Sherloc (09022015). Collection method: clinical testing. Allele origin: germline.
Comment: Algorithms developed to predict the effect of missense changes on protein structure and function are either unavailable or do not agree on the potential impact of this missense change (SIFT: "Deleterious"; PolyPhen-2: "Benign"; Align-GVGD: "Class C0"). In summary, the available evidence is currently insufficient to determine the role of this variant in disease. Therefore, it has been classified as a Variant of Uncertain Significance. This variant has not been reported in the literature in individuals with TRPM1-related conditions. This variant is not present in population databases (ExAC no frequency). This sequence change replaces isoleucine with serine at codon 1117 of the TRPM1 protein (p.Ile1117Ser). The isoleucine residue is moderately conserved and there is a large physicochemical difference between isoleucine and serine.